The following is an entry in ClinVar:

NM_000257.4(MYH7):c.89C>T (p.Pro30Leu)

Gene: MYH7 (myosin heavy chain 7; minus strand). Cytogenetic location: 14q11.2.
Variant type: single nucleotide variant.
Coding change: c.89C>T on transcript NM_000257.4 (MANE Select); coding-DNA position 89, C replaced by T.
Protein change: p.Pro30Leu; replaces proline 30 with leucine.
Molecular consequence: missense variant.
Genome position (GRCh38, 1-based): chr14:23,433,644, G>A on the plus strand (C>T on the coding strand, the complement: MYH7 is on the minus strand). VCF-style: chr14-23433644-G-A. GRCh37 (hg19) VCF-style: chr14-23902853-G-A.
Other names: short protein forms P30L.
Identifiers: ClinVar variation 641040 (VCV000641040.8), dbSNP rs1595091475, ClinGen allele CA389053958.

ClinVar aggregate classification (germline): Uncertain significance (1 of 4 stars; one submission).

Conditions:
Hypertrophic cardiomyopathy. Also called: HYPERTROPHIC MYOCARDIOPATHY. Identifiers: Orphanet 217569, MedGen C0007194, MeSH D002312, MONDO:0005045, HP:0001639.

Allele frequency attached by ClinVar (database versions not stated): gnomAD exomes below 0.00001.
gnomAD v4.1: 1 of 1,614,246 alleles (0.000062%); highest among the groups gnomAD compares: Admixed American, 0.0017%; no homozygotes.

Submission:

Labcorp Genetics (formerly Invitae), Labcorp
Classification: Uncertain significance for Hypertrophic cardiomyopathy. Last evaluated: 2018-09-11. Review status: criteria provided, single submitter. Criteria: Invitae Variant Classification Sherloc (09022015). Collection method: clinical testing. Allele origin: germline.
Comment: This variant has not been reported in the literature in individuals with MYH7-related disease. This variant is not present in population databases (ExAC no frequency). This sequence change replaces proline with leucine at codon 30 of the MYH7 protein (p.Pro30Leu). The proline residue is moderately conserved and there is a moderate physicochemical difference between proline and leucine. Algorithms developed to predict the effect of missense changes on protein structure and function are either unavailable or do not agree on the potential impact of this missense change (SIFT: "Deleterious"; PolyPhen-2: "Benign"; Align-GVGD: "Class C0"). In summary, the available evidence is currently insufficient to determine the role of this variant in disease. Therefore, it has been classified as a Variant of Uncertain Significance.